The following is an entry in ClinVar:

ClinVar aggregate classification (germline): Uncertain significance (1 of 4 stars; one submission).

Conditions:
Hypertrophic cardiomyopathy 14. Identifiers: MedGen C2750467, MONDO:0013197, OMIM 613251.

Allele frequency attached by ClinVar (database versions not stated): TOPMed below 0.00001; gnomAD 0.00001.
gnomAD v4.1: 1 of 1,614,034 alleles (0.000062%); highest among the groups gnomAD compares: African/African-American, 0.0013%; no homozygotes.

Submission:

Labcorp Genetics (formerly Invitae), Labcorp
Classification: Uncertain significance for Hypertrophic cardiomyopathy 14. Last evaluated: 2023-01-26. Review status: criteria provided, single submitter. Criteria: Invitae Variant Classification Sherloc (09022015). Collection method: clinical testing. Allele origin: germline.
Comment: This sequence change replaces glutamic acid, which is acidic and polar, with lysine, which is basic and polar, at codon 983 of the MYH6 protein (p.Glu983Lys). This variant is not present in population databases (gnomAD no frequency). In summary, the available evidence is currently insufficient to determine the role of this variant in disease. Therefore, it has been classified as a Variant of Uncertain Significance. Advanced modeling of protein sequence and biophysical properties (such as structural, functional, and spatial information, amino acid conservation, physicochemical variation, residue mobility, and thermodynamic stability) performed at Invitae indicates that this missense variant is not expected to disrupt MYH6 protein function. This variant has not been reported in the literature in individuals affected with MYH6-related conditions.

NM_002471.4(MYH6):c.2947G>A (p.Glu983Lys)

Gene: MYH6 (myosin heavy chain 6; minus strand). Cytogenetic location: 14q11.2.
Variant type: single nucleotide variant.
Coding change: c.2947G>A on transcript NM_002471.4 (MANE Select); coding-DNA position 2947, G replaced by A.
Protein change: p.Glu983Lys; replaces glutamic acid 983 with lysine.
Molecular consequence: missense variant.
Genome position (GRCh38, 1-based): chr14:23,393,500, C>T on the plus strand (G>A on the coding strand, the complement: MYH6 is on the minus strand). VCF-style: chr14-23393500-C-T. GRCh37 (hg19) VCF-style: chr14-23862709-C-T.
Other names: short protein forms E983K.
Identifiers: ClinVar variation 2887064 (VCV002887064.3), dbSNP rs1891300237, ClinGen allele CA389011398.